The following is an entry in ClinVar:

NM_006904.7(PRKDC):c.5210A>G (p.Asn1737Ser)

Gene: PRKDC (protein kinase, DNA-activated, catalytic subunit; minus strand). Cytogenetic location: 8q11.21.
Variant type: single nucleotide variant.
Coding change: c.5210A>G on transcript NM_006904.7 (MANE Select); coding-DNA position 5210, A replaced by G.
Protein change: p.Asn1737Ser; replaces asparagine 1737 with serine.
Molecular consequence: missense variant.
Genome position (GRCh38, 1-based): chr8:47,879,516, T>C on the plus strand (A>G on the coding strand, the complement: PRKDC is on the minus strand). VCF-style: chr8-47879516-T-C. GRCh37 (hg19) VCF-style: chr8-48792077-T-C.
Other names: c.5210A>G, p.Asn1737Ser (NM_001081640.2); short protein forms N1737S.
Identifiers: ClinVar variation 1016322 (VCV001016322.6), dbSNP rs767743327, ClinGen allele CA4740693.

ClinVar aggregate classification (germline): Uncertain significance (1 of 4 stars; one submission).

Conditions:
Severe combined immunodeficiency due to DNA-PKcs deficiency. Also called: IMMUNODEFICIENCY 26 WITH NEUROLOGIC ABNORMALITIES; Immunodeficiency 26 with or without neurologic abnormalities. Identifiers: Orphanet 317425, MedGen C4014833, MONDO:0014423, OMIM 615966.

Allele frequency attached by ClinVar (database versions not stated): gnomAD 0.00001; gnomAD exomes 0.00001; TOPMed 0.00001; ExAC 0.00004.
gnomAD v4.1: 12 of 1,595,572 alleles (0.00075%); highest among the groups gnomAD compares: Non-Finnish European, 0.001%; no homozygotes.

Submission:

Labcorp Genetics (formerly Invitae), Labcorp
Classification: Uncertain significance for Severe combined immunodeficiency due to DNA-PKcs deficiency. Last evaluated: 2020-02-17. Review status: criteria provided, single submitter. Criteria: Invitae Variant Classification Sherloc (09022015). Collection method: clinical testing. Allele origin: germline.
Comment: This variant is present in population databases (rs767743327, ExAC 0.008%). This sequence change replaces asparagine with serine at codon 1737 of the PRKDC protein (p.Asn1737Ser). The asparagine residue is moderately conserved and there is a small physicochemical difference between asparagine and serine. This variant has not been reported in the literature in individuals with PRKDC-related conditions. In summary, the available evidence is currently insufficient to determine the role of this variant in disease. Therefore, it has been classified as a Variant of Uncertain Significance. Experimental studies and prediction algorithms are not available or were not evaluated, and the functional significance of this variant is currently unknown.